The following is an entry in ClinVar:

NM_001378615.1(CC2D2A):c.3183-1G>T

Genes: CC2D2A (coiled-coil and C2 domain containing 2A; plus strand), FBXL5 (F-box and leucine rich repeat protein 5; minus strand). Cytogenetic location: 4p15.32.
Variant type: single nucleotide variant.
Coding change: c.3183-1G>T on transcript NM_001378615.1 (MANE Select); the canonical splice acceptor site of the intron before coding-DNA position 3183, G replaced by T.
Molecular consequence: splice acceptor variant.
Genome position (GRCh38, 1-based): chr4:15,567,376, G>T. VCF-style: chr4-15567376-G-T. GRCh37 (hg19) VCF-style: chr4-15568999-G-T.
Other names: c.3183-1G>T (NM_001080522.2); c.3036-1G>T (NM_001378617.1).
Identifiers: ClinVar variation 859955 (VCV000859955.8), dbSNP rs1719930798, ClinGen allele CA356417376.

ClinVar aggregate classification (germline): Likely pathogenic (1 of 4 stars; one submission).

Conditions:
Meckel-Gruber syndrome. Also called: Dysencephalia splachnocystica; DYSENCEPHALIA SPLANCHNOCYSTICA; GRUBER SYNDROME. Identifiers: Orphanet 564, MedGen C0265215, MONDO:0018921.
Joubert syndrome. Also called: JOUBERT-BOLTSHAUSER SYNDROME; Familial aplasia of the vermis. Identifiers: Orphanet 475, MedGen C5979921, MONDO:0018772.

Submission:

Labcorp Genetics (formerly Invitae), Labcorp
Classification: Likely pathogenic for Joubert syndrome; Meckel-Gruber syndrome. Last evaluated: 2019-03-07. Review status: criteria provided, single submitter. Criteria: Invitae Variant Classification Sherloc (09022015). Collection method: clinical testing. Allele origin: germline.
Comment: This sequence change affects an acceptor splice site in intron 25 of the CC2D2A gene. It is expected to disrupt RNA splicing and likely results in an absent or disrupted protein product. In summary, the currently available evidence indicates that the variant is pathogenic, but additional data are needed to prove that conclusively. Therefore, this variant has been classified as Likely Pathogenic. Donor and acceptor splice site variants typically lead to a loss of protein function (PMID: 16199547), and loss-of-function variants in CC2D2A are known to be pathogenic (PMID: 19777577). Algorithms developed to predict the effect of sequence changes on RNA splicing suggest that this variant may disrupt the consensus splice site, but this prediction has not been confirmed by published transcriptional studies. This variant has not been reported in the literature in individuals with CC2D2A-related conditions. This variant is not present in population databases (ExAC no frequency).

Literature cited by the submitters: PubMed 16199547; PubMed 19777577.